The following is an entry in ClinVar:

NM_005656.4(TMPRSS2):c.-57+1539C>T

Genes: TMPRSS2 (transmembrane serine protease 2; minus strand), LOC111099027 (transmembrane protease serine 2 breakpoint cluster recombination region; plus strand). Cytogenetic location: 21q22.3.
Variant type: single nucleotide variant.
Coding change: c.-57+1539C>T on transcript NM_005656.4 (MANE Select); 1539 bases into the intron after 57 bases upstream of the start codon, C replaced by T.
Molecular consequence: intron variant.
Genome position (GRCh38, 1-based): chr21:41,506,542, G>A on the plus strand (C>T on the coding strand, the complement: TMPRSS2 is on the minus strand). VCF-style: chr21-41506542-G-A. GRCh37 (hg19) VCF-style: chr21-42878469-G-A.
Other names: c.-57+1539C>T (NM_001382720.1); c.55+1408C>T (NM_001135099.1).
Identifiers: ClinVar variation 2652681 (VCV002652681.24), dbSNP rs144458055, ClinGen allele CA320716166.

ClinVar aggregate classification (germline): Likely benign (1 of 4 stars; one submission).

Allele frequency attached by ClinVar (database versions not stated): 1000 Genomes Project 30x 0.00687; 1000 Genomes Project 0.00719.
gnomAD v4.1: 774 of 152,414 alleles (0.51%); highest among the groups gnomAD compares: Middle Eastern, 1%; 4 homozygotes.

Submission:

CeGaT Center for Human Genetics Tuebingen
Classification: Likely benign. Last evaluated: 2023-01-01. Review status: criteria provided, single submitter. Criteria: CeGaT Center For Human Genetics Tuebingen Variant Classification Criteria Version 2. Collection method: clinical testing. Allele origin: germline. Affected: yes. Observed: 1 variant allele.
Comment: TMPRSS2: BS2